The following is an entry in ClinVar:

NM_001378789.1(CERS3):c.634C>T (p.His212Tyr)

Gene: CERS3 (ceramide synthase 3; minus strand). Cytogenetic location: 15q26.3.
Variant type: single nucleotide variant.
Coding change: c.634C>T on transcript NM_001378789.1 (MANE Select); coding-DNA position 634, C replaced by T.
Protein change: p.His212Tyr; replaces histidine 212 with tyrosine.
Molecular consequence: missense variant.
Genome position (GRCh38, 1-based): chr15:100,473,028, G>A on the plus strand (C>T on the coding strand, the complement: CERS3 is on the minus strand). VCF-style: chr15-100473028-G-A. GRCh37 (hg19) VCF-style: chr15-101013233-G-A.
Other names: c.667C>T, p.His223Tyr (NM_001290341.2); c.634C>T, p.His212Tyr (NM_001290342.2, NM_001290343.2, NM_178842.5); short protein forms H212Y, H223Y.
Identifiers: ClinVar variation 421731 (VCV000421731.3), dbSNP rs1064795328, ClinGen allele CA16619901.

ClinVar aggregate classification (germline): Uncertain significance (1 of 4 stars; one submission).

Allele frequency attached by ClinVar (database versions not stated): TOPMed below 0.00001; gnomAD 0.00001.

Submission:

GeneDx
Classification: Uncertain significance. Last evaluated: 2025-06-20. Review status: criteria provided, single submitter. Criteria: GeneDx Variant Classification Process June 2021. Collection method: clinical testing. Allele origin: germline. Affected: yes.
Comment: Not observed at significant frequency in large population cohorts (gnomAD); In silico analysis supports that this missense variant has a deleterious effect on protein structure/function; Has not been previously published as pathogenic or benign to our knowledge